The following is an entry in ClinVar:

NC_000007.14:g.(?_5991963)_(6002646_?)del

Gene: PMS2 (PMS1 homolog 2, mismatch repair system component; minus strand). Cytogenetic location: 7p22.1.
Variant type: Deletion.
Identifiers: ClinVar variation 583745 (VCV000583745.7).

ClinVar aggregate classification (germline): Pathogenic (1 of 4 stars; one submission).

Conditions:
Hereditary nonpolyposis colorectal neoplasms. Identifiers: MedGen C0009405, MeSH D003123.

Submission:

Labcorp Genetics (formerly Invitae), Labcorp
Classification: Pathogenic for Hereditary nonpolyposis colorectal neoplasms. Last evaluated: 2022-10-06. Review status: criteria provided, single submitter. Criteria: Invitae Variant Classification Sherloc (09022015). Collection method: clinical testing. Allele origin: germline.
Comment: This variant is a gross deletion of the genomic region encompassing exon(s) 5-9 of the PMS2 gene. This deletion is out-of-frame, and is expected to create a premature termination codon and result in an absent or disrupted protein product. Loss-of-function variants in PMS2 are known to be pathogenic (PMID: 21376568, 24362816). A similar copy number variant has been observed in individual(s) with colon cancer (PMID: 20205264). For these reasons, this variant has been classified as Pathogenic.

Literature cited by the submitters: PubMed 21376568; PubMed 24362816; PubMed 20205264.